The following is an entry in ClinVar:

NM_032638.5(GATA2):c.1342C>T (p.His448Tyr)

Gene: GATA2 (GATA binding protein 2; minus strand). Cytogenetic location: 3q21.3.
Variant type: single nucleotide variant.
Coding change: c.1342C>T on transcript NM_032638.5 (MANE Select); coding-DNA position 1342, C replaced by T.
Protein change: p.His448Tyr; replaces histidine 448 with tyrosine.
Molecular consequence: missense variant.
Genome position (GRCh38, 1-based): chr3:128,481,120, G>A on the plus strand (C>T on the coding strand, the complement: GATA2 is on the minus strand). VCF-style: chr3-128481120-G-A. GRCh37 (hg19) VCF-style: chr3-128199963-G-A.
Other names: c.1342C>T, p.His448Tyr (NM_001145661.2); c.1300C>T, p.His434Tyr (NM_001145662.1); short protein forms H434Y, H448Y.
Identifiers: ClinVar variation 4789520 (VCV004789520.1).

ClinVar aggregate classification (germline): Uncertain significance (1 of 4 stars; one submission).

Conditions:
Monocytopenia with susceptibility to infections. Also called: MONOCYTOPENIA AND MYCOBACTERIAL INFECTION SYNDROME; MONOCYTOPENIA WITH SUSCEPTIBILITY TO MYCOBACTERIAL, FUNGAL, AND PAPILLOMAVIRUS INFECTIONS AND MYELODYSPLASIA; COMBINED IMMUNODEFICIENCY WITH SUSCEPTIBILITY TO MYCOBACTERIAL, VIRAL, AND FUNGAL INFECTIONS; Dendritic cell, monocyte, B lymphocyte, and natural killer lymphocyte deficiency; IMMUNODEFICIENCY 21; GATA2 DEFICIENCY. Identifiers: Orphanet 228423, MedGen C3280030, MONDO:0013607, OMIM 614172.
Deafness-lymphedema-leukemia syndrome. Also called: Lymphedema, primary, with myelodysplasia; Emberger syndrome. Identifiers: Orphanet 3226, MedGen C3279664, MONDO:0013540, OMIM 614038.

gnomAD v4.1: 2 of 1,614,212 alleles (0.00012%); highest among the groups gnomAD compares: Non-Finnish European, 0.00017%; no homozygotes.

Submission:

Labcorp Genetics (formerly Invitae), Labcorp
Classification: Uncertain significance for Monocytopenia with susceptibility to infections; Deafness-lymphedema-leukemia syndrome. Last evaluated: 2025-03-07. Review status: criteria provided, single submitter. Criteria: Invitae Variant Classification Sherloc (09022015). Collection method: clinical testing. Allele origin: germline.
Comment: This sequence change replaces histidine, which is basic and polar, with tyrosine, which is neutral and polar, at codon 448 of the GATA2 protein (p.His448Tyr). This variant is not present in population databases (gnomAD no frequency). This variant has not been reported in the literature in individuals affected with GATA2-related conditions. Invitae Evidence Modeling of protein sequence and biophysical properties (such as structural, functional, and spatial information, amino acid conservation, physicochemical variation, residue mobility, and thermodynamic stability) has been performed for this missense variant. However, the output from this modeling did not meet the statistical confidence thresholds required to predict the impact of this variant on GATA2 protein function. In summary, the available evidence is currently insufficient to determine the role of this variant in disease. Therefore, it has been classified as a Variant of Uncertain Significance.